The following is an entry in ClinVar:

ClinVar aggregate classification (germline): Pathogenic/Likely pathogenic. Review status: criteria provided, multiple submitters, no conflicts (2 of 4 stars). 2 submissions from 2 submitters: Pathogenic (1); Likely pathogenic (1). Last evaluated 2023-06-20.

Conditions:
Arginase deficiency. Also called: ARGININEMIA; ARG1 DEFICIENCY; Arginase 1 Deficiency. Identifiers: Orphanet 90, MedGen C0268548, MONDO:0008814, OMIM 207800.

Submissions (2):

Labcorp Genetics (formerly Invitae), Labcorp
Classification: Pathogenic for Arginase deficiency. Last evaluated: 2023-06-20. Review status: criteria provided, single submitter. Criteria: Invitae Variant Classification Sherloc (09022015). Collection method: clinical testing. Allele origin: germline.
Comment: This sequence change creates a premature translational stop signal (p.Asp117Profs*2) in the ARG1 gene. It is expected to result in an absent or disrupted protein product. Loss-of-function variants in ARG1 are known to be pathogenic (PMID: 7649538, 12052859). This variant is not present in population databases (gnomAD no frequency). This variant has not been reported in the literature in individuals affected with ARG1-related conditions. For these reasons, this variant has been classified as Pathogenic.

Baylor Genetics
Classification: Likely pathogenic for Arginase deficiency. Last evaluated: 2022-11-03. Review status: criteria provided, single submitter. Criteria: ACMG Guidelines, 2015. Collection method: clinical testing. Allele origin: unknown.

Literature cited by the submitters: PubMed 7649538 (cited by Labcorp Genetics (formerly Invitae), Labcorp); PubMed 12052859 (cited by Labcorp Genetics (formerly Invitae), Labcorp).

NM_000045.4(ARG1):c.341_344dup (p.Asp117fs)

Genes: ARG1 (arginase 1; plus strand), MED23 (mediator complex subunit 23; minus strand). Cytogenetic location: 6q23.2.
Variant type: Duplication.
Coding change: c.341_344dup on transcript NM_000045.4 (MANE Select); coding-DNA positions 341 to 344, 4 bases duplicated (TCCA; older notation c.341_344dupTCCA).
Protein change: p.Asp117fs; shifts the reading frame from aspartic acid 117.
Molecular consequence: frameshift variant. On other transcripts: non-coding transcript variant (1), intron variant (3).
Genome position (GRCh38, 1-based): chr6:131,581,254-131,581,257, TCCA duplicated. VCF-style (leftmost placement, unchanged base first): chr6-131581253-G-GTCCA. GRCh37 (hg19) VCF-style: chr6-131902393-G-GTCCA.
Other names: c.365_368dup, p.Asp125fs (NM_001244438.2); c.306-1806_306-1803dup (NM_001369020.1); c.4077+6452_4077+6455dup (NM_001270521.2); c.4095+6452_4095+6455dup (NM_015979.4); short protein forms D117fs, D125fs.
Identifiers: ClinVar variation 2678300 (VCV002678300.4), dbSNP rs2482368714, ClinGen allele CA2695198352.